The following is an entry in ClinVar:

ClinVar aggregate classification (germline): Uncertain significance (1 of 4 stars; one submission).

Submission:

GeneDx
Classification: Uncertain significance. Last evaluated: 2019-08-27. Review status: criteria provided, single submitter. Criteria: GeneDx Variant Classification Process June 2021. Collection method: clinical testing. Allele origin: germline. Affected: yes.
Comment: Frameshift variant predicted to result in protein truncation or nonsense mediated decay in a gene for which loss-of-function is not a known mechanism of disease; Variants in candidate genes are classified as variants of uncertain significance in accordance with ACMG guidelines (Richards et al., 2015); This variant is associated with the following publications: (PMID: 33970200)

NM_015465.5(GEMIN5):c.3930_3933del (p.Ser1311fs)

Gene: GEMIN5 (gem nuclear organelle associated protein 5; minus strand). Cytogenetic location: 5q33.2.
Variant type: Microsatellite.
Coding change: c.3930_3933del on transcript NM_015465.5 (MANE Select); coding-DNA positions 3930 to 3933, 4 bases deleted (CTCT; older notation c.3930_3933delCTCT).
Protein change: p.Ser1311fs; shifts the reading frame from serine 1311.
Molecular consequence: frameshift variant.
Genome position (GRCh38, 1-based): chr5:154,891,570-154,891,573, AGAG deleted on the plus strand (CTCT on the coding strand, the reverse complement: GEMIN5 is on the minus strand); deleting any 4 consecutive bases within chr5:154,891,570-154,891,575 gives the same sequence; the c. name uses the placement nearest the transcript's 3' end. VCF-style (leftmost placement, unchanged base first): chr5-154891569-CAGAG-C. GRCh37 (hg19) VCF-style: chr5-154271129-CAGAG-C.
Other names: c.3927_3930del, p.Ser1310fs (NM_001252156.2); short protein forms S1310fs, S1311fs.
Identifiers: ClinVar variation 1318882 (VCV001318882.2), dbSNP rs1561707416, ClinGen allele CA563959217.
Genomic context (GRCh38, chr5:154,891,569, plus strand): 5'-GAGAAGTTTCAGGGTCCGTTTCTTCAGTGCTGGCAGTGTCTAACTGCTGGCTTGGCTCAA[CAGAG>C]AGTGTTCTGTGACCAGCCCTTACCCAGACACTGGAATTTGGGCAAGGTCTGGAGAGAGAC-3'